The following is an entry in ClinVar:

ClinVar aggregate classification (germline): Pathogenic (1 of 4 stars; one submission).

Submission:

Labcorp Genetics (formerly Invitae), Labcorp
Classification: Pathogenic. Last evaluated: 2022-06-09. Review status: criteria provided, single submitter. Criteria: Invitae Variant Classification Sherloc (09022015). Collection method: clinical testing. Allele origin: germline.
Comment: For these reasons, this variant has been classified as Pathogenic. This premature translational stop signal has been observed in individual(s) with Wiedemann-Steiner syndrome (PMID: 29574747). This variant is not present in population databases (gnomAD no frequency). This sequence change creates a premature translational stop signal (p.Ser90*) in the KMT2A gene. It is expected to result in an absent or disrupted protein product. Loss-of-function variants in KMT2A are known to be pathogenic (PMID: 22795537, 25574841, 25810209, 28120103, 29574747, 31157197, 31337854).

Literature cited by the submitters: PubMed 29574747; PubMed 22795537; PubMed 25574841; PubMed 25810209; PubMed 28120103; PubMed 31157197; PubMed 31337854.

NM_001197104.2(KMT2A):c.269C>A (p.Ser90Ter)

Gene: KMT2A (lysine methyltransferase 2A; plus strand). Cytogenetic location: 11q23.3.
Variant type: single nucleotide variant.
Coding change: c.269C>A on transcript NM_001197104.2 (MANE Select); coding-DNA position 269, C replaced by A.
Protein change: p.Ser90Ter; replaces serine 90 with a stop codon.
Molecular consequence: nonsense.
Genome position (GRCh38, 1-based): chr11:118,436,781, C>A. VCF-style: chr11-118436781-C-A. GRCh37 (hg19) VCF-style: chr11-118307496-C-A.
Other names: c.269C>A, p.Ser90Ter (NM_001412597.1, NM_005933.4); short protein forms S90*.
Identifiers: ClinVar variation 2152137 (VCV002152137.4), dbSNP rs1555138708, ClinGen allele CA382797952.